The following is an entry in ClinVar:

NM_001171.6(ABCC6):c.3736-4C>T

Gene: ABCC6 (ATP binding cassette subfamily C member 6; minus strand). Cytogenetic location: 16p13.11.
Variant type: single nucleotide variant.
Coding change: c.3736-4C>T on transcript NM_001171.6 (MANE Select); 4 bases into the intron before coding-DNA position 3736, C replaced by T.
Molecular consequence: intron variant.
Genome position (GRCh38, 1-based): chr16:16,157,813, G>A on the plus strand (C>T on the coding strand, the complement: ABCC6 is on the minus strand). VCF-style: chr16-16157813-G-A. GRCh37 (hg19) VCF-style: chr16-16251670-G-A.
Other names: c.3394-4C>T (NM_001351800.1).
Identifiers: ClinVar variation 3344478 (VCV003344478.4).

ClinVar aggregate classification (germline): Likely benign. Review status: criteria provided, multiple submitters, no conflicts (2 of 4 stars). 3 submissions from 3 submitters: Likely benign (2). 1 of the submissions does not count toward it. Last evaluated 2024-08-23.

Conditions:
ABCC6-related disorder. Also called: ABCC6-related condition.

Submissions (3):

Labcorp Genetics (formerly Invitae), Labcorp
Classification: Likely benign. Last evaluated: 2024-08-23. Review status: criteria provided, single submitter. Criteria: Invitae Variant Classification Sherloc (09022015). Collection method: clinical testing. Allele origin: germline.

Blueprint Genetics
Classification: Likely benign. Last evaluated: 2022-11-02. Review status: criteria provided, single submitter. Criteria: ACMG Guidelines, 2015. Collection method: clinical testing. Allele origin: germline.

PreventionGenetics, part of Exact Sciences
Classification: Uncertain significance for ABCC6-related condition. Last evaluated: 2024-08-13. Review status: no assertion criteria provided. Collection method: clinical testing. Allele origin: germline. Not counted in ClinVar's aggregate classification.
Comment: The ABCC6 c.3736-4C>T variant is predicted to interfere with splicing. To our knowledge, this variant has not been reported in the literature or in a large population database, indicating this variant is rare. At this time, the clinical significance of this variant is uncertain due to the absence of conclusive functional and genetic evidence.